The following is an entry in ClinVar:

ClinVar aggregate classification (germline): Likely pathogenic (1 of 4 stars; one submission).

Conditions:
Usher syndrome type 2A. Also called: RETINAL DISEASE IN USHER SYNDROME TYPE IIA, MODIFIER OF; USHER SYNDROME, TYPE IIA. Identifiers: Orphanet 231178, Orphanet 886, MedGen C1848634, MONDO:0010169, OMIM 276901.

Submission:

Natera, Inc.
Classification: Likely pathogenic for Usher syndrome type 2A. Last evaluated: 2024-07-05. Review status: criteria provided, single submitter. Criteria: Natera Variant Classification Schema (03/2026). Collection method: clinical testing. Allele origin: germline.
Comment: The c.11161G>T variant in USH2A is a nonsense variant predicted to introduce a stop codon at amino acid 3721. This variant is expected to result in nonsense mediated decay, truncation, or a dysfunctional protein product. This variant is rare in the general population with a frequency below the threshold expected for the associated phenotype(s). Given the available evidence, this variant is classified as Likely Pathogenic.

NM_206933.4(USH2A):c.11161G>T (p.Gly3721Ter)

Gene: USH2A (usherin; minus strand). Cytogenetic location: 1q41.
Variant type: single nucleotide variant.
Coding change: c.11161G>T on transcript NM_206933.4 (MANE Select); coding-DNA position 11161, G replaced by T.
Protein change: p.Gly3721Ter; replaces glycine 3721 with a stop codon.
Molecular consequence: nonsense.
Genome position (GRCh38, 1-based): chr1:215,759,730, C>A on the plus strand (G>T on the coding strand, the complement: USH2A is on the minus strand). VCF-style: chr1-215759730-C-A. GRCh37 (hg19) VCF-style: chr1-215933072-C-A.
Other names: short protein forms G3721*.
Identifiers: ClinVar variation 4817076 (VCV004817076.1).